The following is an entry in ClinVar:

ClinVar aggregate classification (germline): Uncertain significance. Review status: criteria provided, multiple submitters, no conflicts (2 of 4 stars). 2 submissions from 2 submitters: Uncertain significance (2). Last evaluated 2026-02-13.

Conditions:
Familial cancer of breast. Also called: Hereditary breast cancer; BREAST CANCER, FAMILIAL; hereditary breast carcinoma. Identifiers: Orphanet 227535, MedGen C0346153, MONDO:0016419, OMIM 114480. Disease mechanism: loss of function.
Hereditary cancer-predisposing syndrome. Also called: Tumor predisposition; Hereditary Cancer Syndrome; Hereditary neoplastic syndrome; Neoplastic Syndromes, Hereditary. Identifiers: Orphanet 140162, MedGen C0027672, MeSH D009386, MONDO:0015356.

Submissions (2):

Ambry Genetics
Classification: Uncertain significance for Hereditary cancer-predisposing syndrome. Last evaluated: 2026-02-13. Review status: criteria provided, single submitter. Criteria: Ambry Variant Classification Scheme 2023. Collection method: clinical testing. Allele origin: germline.
Comment: The c.2002-6T>G intronic variant results from a T to G substitution 6 nucleotides upstream from coding exon 11 in the BARD1 gene. This nucleotide position is not well conserved in available vertebrate species. In silico splice site analysis predicts that this alteration may weaken the native splice acceptor site and will result in the creation or strengthening of a novel splice acceptor site; however, direct evidence is insufficient at this time (Ambry internal data). Based on the available evidence, the clinical significance of this variant remains unclear.

Labcorp Genetics (formerly Invitae), Labcorp
Classification: Uncertain significance for Familial cancer of breast. Last evaluated: 2023-10-14. Review status: criteria provided, single submitter. Criteria: Invitae Variant Classification Sherloc (09022015). Collection method: clinical testing. Allele origin: germline.
Comment: This sequence change falls in intron 10 of the BARD1 gene. It does not directly change the encoded amino acid sequence of the BARD1 protein. This variant is not present in population databases (gnomAD no frequency). This variant has not been reported in the literature in individuals affected with BARD1-related conditions. Algorithms developed to predict the effect of sequence changes on RNA splicing suggest that this variant may disrupt the consensus splice site. In summary, the available evidence is currently insufficient to determine the role of this variant in disease. Therefore, it has been classified as a Variant of Uncertain Significance.

NM_000465.4(BARD1):c.2002-6T>G

Gene: BARD1 (BRCA1 associated RING domain 1; minus strand). Cytogenetic location: 2q35.
Variant type: single nucleotide variant.
Coding change: c.2002-6T>G on transcript NM_000465.4 (MANE Select); 6 bases into the intron before coding-DNA position 2002, T replaced by G.
Molecular consequence: intron variant.
Genome position (GRCh38, 1-based): chr2:214,729,014, A>C on the plus strand (T>G on the coding strand, the complement: BARD1 is on the minus strand). VCF-style: chr2-214729014-A-C. GRCh37 (hg19) VCF-style: chr2-215593738-A-C.
Other names: c.592-6T>G (NM_001282548.2); c.1945-6T>G (NM_001282543.2); c.649-6T>G (NM_001282545.2); c.463-6T>G (NM_001282549.2); c.2002-6T>G (NM_000465.2).
Identifiers: ClinVar variation 2768176 (VCV002768176.5), dbSNP rs2469271521, ClinGen allele CA2697550381.